The following is an entry in ClinVar:

NM_001999.4(FBN2):c.5353+19C>T

Gene: FBN2 (fibrillin 2; minus strand). Cytogenetic location: 5q23.3.
Variant type: single nucleotide variant.
Coding change: c.5353+19C>T on transcript NM_001999.4 (MANE Select); 19 bases into the intron after coding-DNA position 5353, C replaced by T.
Molecular consequence: intron variant.
Genome position (GRCh38, 1-based): chr5:128,309,228, G>A on the plus strand (C>T on the coding strand, the complement: FBN2 is on the minus strand). VCF-style: chr5-128309228-G-A. GRCh37 (hg19) VCF-style: chr5-127644920-G-A.
Identifiers: ClinVar variation 137339 (VCV000137339.25), dbSNP rs183524866, ClinGen allele CA290884.

ClinVar aggregate classification (germline): Benign/Likely benign. Review status: criteria provided, multiple submitters, no conflicts (2 of 4 stars). 10 submissions from 10 submitters: Benign (6); Likely benign (3). 1 of the submissions does not count toward it. Last evaluated 2026-02-01.

Conditions:
Connective tissue disorder. Also called: Connective tissue disease. Identifiers: MedGen C0009782, MONDO:0003900.
Macular degeneration, early-onset (EOMD). Identifiers: MedGen C4015286, MONDO:0014501, OMIM 616118.
Congenital contractural arachnodactyly (CCA). Also called: Beals-Hecht syndrome; Arthrogryposis, distal, type 9; BEALS SYNDROME. Identifiers: Orphanet 115, MedGen C0220668, MONDO:0007363, OMIM 121050.

Allele frequency attached by ClinVar (database versions not stated): 1000 Genomes Project 30x 0.00047; ESP Exome Variant Server 0.00062; TOPMed 0.00090; ExAC 0.00146; gnomAD exomes 0.00167 and 0.00182; gnomAD 0.00169 and 0.00179.
gnomAD v4.1: 2,660 of 1,613,186 alleles (0.16%); highest among the groups gnomAD compares: Non-Finnish European, 0.17%; 5 homozygotes.

Submissions (10):

Labcorp Genetics (formerly Invitae), Labcorp
Classification: Benign for Congenital contractural arachnodactyly. Last evaluated: 2026-02-01. Review status: criteria provided, single submitter. Criteria: Invitae Variant Classification Sherloc (09022015). Collection method: clinical testing. Allele origin: germline.

Blueprint Genetics
Classification: Likely benign. Last evaluated: 2024-10-31. Review status: criteria provided, single submitter. Criteria: ACMG Guidelines, 2015. Collection method: clinical testing. Allele origin: germline.

ARUP Laboratories, Molecular Genetics and Genomics, ARUP Laboratories
Classification: Benign. Last evaluated: 2024-08-12. Review status: criteria provided, single submitter. Criteria: ARUP Molecular Germline Variant Investigation Process 2024. Collection method: clinical testing. Allele origin: germline.

Women's Health and Genetics/Laboratory Corporation of America, LabCorp
Classification: Benign. Last evaluated: 2023-08-10. Review status: criteria provided, single submitter. Criteria: LabCorp Variant Classification Summary - May 2015. Collection method: clinical testing. Allele origin: germline.

Fulgent Genetics
Classification: Benign for Congenital contractural arachnodactyly; Macular degeneration, early-onset. Last evaluated: 2022-03-04. Review status: criteria provided, single submitter. Criteria: ACMG Guidelines, 2015. Collection method: clinical testing. Allele origin: unknown.

Genome Diagnostics Laboratory, University Medical Center Utrecht
Classification: Benign for Congenital contractural arachnodactyly. Last evaluated: 2017-02-22. Review status: criteria provided, single submitter. Criteria: ACGS Guidelines, 2013. Collection method: clinical testing. Allele origin: germline. Affected: yes. Study: VKGL Data-share Consensus.

Center for Human Genetics, Inc
Classification: Likely benign for Connective tissue disorder. Last evaluated: 2016-11-01. Review status: criteria provided, single submitter. Criteria: ACMG Guidelines, 2015. Collection method: clinical testing. Allele origin: germline. Affected: yes.

GeneDx
Classification: Benign. Last evaluated: 2014-03-01. Review status: criteria provided, single submitter. Criteria: GeneDx Variant Classification (06012015). Collection method: clinical testing. Allele origin: germline. Affected: yes.
Comment: This variant is considered likely benign or benign based on one or more of the following criteria: it is a conservative change, it occurs at a poorly conserved position in the protein, it is predicted to be benign by multiple in silico algorithms, and/or has population frequency not consistent with disease.

PreventionGenetics, part of Exact Sciences
Classification: Likely benign. Review status: criteria provided, single submitter. Criteria: ACMG Guidelines, 2015. Collection method: clinical testing. Allele origin: germline.

Genome Diagnostics Laboratory, Amsterdam University Medical Center
Classification: Benign for Congenital contractural arachnodactyly. Last evaluated: 2015-01-27. Review status: no assertion criteria provided. Criteria: ACGS Guidelines, 2013. Collection method: clinical testing. Allele origin: germline. Affected: yes. Study: VKGL Data-share Consensus. Not counted in ClinVar's aggregate classification.